The following is an entry in ClinVar:

ClinVar aggregate classification (germline): Pathogenic/Likely pathogenic. Review status: criteria provided, multiple submitters, no conflicts (2 of 4 stars). 3 submissions from 3 submitters: Pathogenic (2); Likely pathogenic (1). Last evaluated 2026-01-22.

Conditions:
Retinitis pigmentosa 28 (RP28). Identifiers: Orphanet 791, MedGen C1419614, MONDO:0011630, OMIM 606068.

Allele frequency attached by ClinVar (database versions not stated): gnomAD exomes below 0.00001.

Submissions (3):

Myriad Genetics, Inc.
Classification: Pathogenic for Retinitis pigmentosa 28. Last evaluated: 2026-01-22. Review status: criteria provided, single submitter. Criteria: Myriad Autosomal Dominant, Autosomal Recessive and X-Linked Classification Criteria (2023). Collection method: clinical testing. Allele origin: unknown.
Comment: NM_001201543.1(FAM161A):c.1150dupA(T384Nfs*18) is a frameshift variant classified as pathogenic in the context of retinitis pigmentosa, FAM161A-related. T384Nfs*18 has not been observed in cases with relevant disease. Relevant functional assessments of this variant are not available in the literature. T384Nfs*18 has been observed in referenced population frequency databases. In summary, NM_001201543.1(FAM161A):c.1150dupA(T384Nfs*18) is a frameshift variant in a gene where loss of function is a known mechanism of disease and is predicted to disrupt protein function. Please note: this variant was assessed in the context of healthy population screening.

Natera, Inc.
Classification: Likely pathogenic for Retinitis pigmentosa type 28. Last evaluated: 2024-02-28. Review status: criteria provided, single submitter. Criteria: Natera Variant Classification Schema (03/2026). Collection method: clinical testing. Allele origin: germline.
Comment: The c.1150dupA variant in FAM161A is a frameshift variant predicted to shift the reading frame beginning at codon 384 and leads to a stop codon 18 codons downstream. This variant is expected to result in nonsense mediated decay, truncation, or a dysfunctional protein product. This variant is rare in the general population with a frequency below the threshold expected for the associated phenotype(s). Given the available evidence, this variant is classified as Likely Pathogenic.

Labcorp Genetics (formerly Invitae), Labcorp
Classification: Pathogenic. Last evaluated: 2023-05-11. Review status: criteria provided, single submitter. Criteria: Invitae Variant Classification Sherloc (09022015). Collection method: clinical testing. Allele origin: germline.
Comment: For these reasons, this variant has been classified as Pathogenic. This variant has not been reported in the literature in individuals affected with FAM161A-related conditions. This variant is present in population databases (no rsID available, gnomAD 0.0009%). This sequence change creates a premature translational stop signal (p.Thr384Asnfs*18) in the FAM161A gene. It is expected to result in an absent or disrupted protein product. Loss-of-function variants in FAM161A are known to be pathogenic (PMID: 20705278, 20705279, 24651477).

Literature cited by the submitters: PubMed 20705278 (cited by Labcorp Genetics (formerly Invitae), Labcorp); PubMed 20705279 (cited by Labcorp Genetics (formerly Invitae), Labcorp); PubMed 24651477 (cited by Labcorp Genetics (formerly Invitae), Labcorp).

NM_001201543.2(FAM161A):c.1150dup (p.Thr384fs)

Gene: FAM161A (FAM161 centrosomal protein A; minus strand). Cytogenetic location: 2p15.
Variant type: Duplication.
Coding change: c.1150dup on transcript NM_001201543.2 (MANE Select); coding-DNA position 1150, one base duplicated (A; older notation c.1150dupA).
Protein change: p.Thr384fs; shifts the reading frame from threonine 384.
Molecular consequence: frameshift variant. On other transcripts: non-coding transcript variant (1).
Genome position (GRCh38, 1-based): chr2:61,839,854, T duplicated on the plus strand (A on the coding strand, the reverse complement: FAM161A is on the minus strand). VCF-style (leftmost placement, unchanged base first): chr2-61839853-G-GT. GRCh37 (hg19) VCF-style: chr2-62066988-G-GT.
Other names: c.1150dup, p.Thr384fs (NM_032180.3); c.1150dupA (NM_001201543.1); short protein forms T384fs.
Identifiers: ClinVar variation 2977716 (VCV002977716.6), dbSNP rs1222457762, ClinGen allele CA533181466.
Genomic context (GRCh38, chr2:61,839,853, plus strand): 5'-CAAGCTGACCTACAAGGCAGAGGAGATGAGTTCTGTAAATGCTCCTGGGCTCTCAGCTGT[G>GT]TCCTAAGGTTTCGATAGAGCTCTTCTTCTTTTAACTTGTCATTGGTAGTTGAACCATAAG-3'